The following is an entry in ClinVar:

NM_022836.4(DCLRE1B):c.1163A>G (p.Gln388Arg)

Gene: DCLRE1B (DNA cross-link repair 1B; plus strand). Cytogenetic location: 1p13.2.
Variant type: single nucleotide variant.
Coding change: c.1163A>G on transcript NM_022836.4 (MANE Select); coding-DNA position 1163, A replaced by G.
Protein change: p.Gln388Arg; replaces glutamine 388 with arginine.
Molecular consequence: missense variant.
Genome position (GRCh38, 1-based): chr1:113,911,755, A>G. VCF-style: chr1-113911755-A-G. GRCh37 (hg19) VCF-style: chr1-114454377-A-G.
Other names: c.1163A>G, p.Gln388Arg (LRG_1219t1, NM_001363690.2); c.785A>G, p.Gln262Arg (NM_001319946.2, NM_001319947.2, NM_001363691.2); short protein forms Q388R, Q262R.
Identifiers: ClinVar variation 663606 (VCV000663606.10), dbSNP rs745340882, ClinGen allele CA1016537.
Genomic context (GRCh38, chr1:113,911,755, plus strand): 5'-GAGACTCAAAGAAGGCCAAGAAAGAGAAACTTTCTCCCTGGCCTGCGGACCTTGAAAAGC[A>G]GCCTTCCCACCATCCTTTGCGGATCAAGAAGCAGTTGTTCCCAGATCTCTATAGCAAAGA-3'
Protein context (NP_073747.1, residues 378-398): LSPWPADLEK[Gln388Arg]PSHHPLRIKK

ClinVar aggregate classification (germline): Uncertain significance. Review status: criteria provided, multiple submitters, no conflicts (2 of 4 stars). 2 submissions from 2 submitters: Uncertain significance (2). Last evaluated 2025-10-27.

Conditions:
Hoyeraal-Hreidarsson syndrome (HHS). Also called: CEREBELLAR HYPOPLASIA WITH PANCYTOPENIA. Identifiers: Orphanet 3322, MedGen C1846142, MONDO:0018045.
Autosomal recessive dyskeratosis congenita. Identifiers: MedGen C3502105.

Allele frequency attached by ClinVar (database versions not stated): gnomAD 0.00002; gnomAD exomes 0.00002 and 0.00008; TOPMed 0.00007; ExAC 0.00009.
gnomAD v4.1: 37 of 1,614,192 alleles (0.0023%); highest among the groups gnomAD compares: East Asian, 0.06%; no homozygotes.

Submissions (2):

Labcorp Genetics (formerly Invitae), Labcorp
Classification: Uncertain significance for Hoyeraal-Hreidarsson syndrome; Autosomal recessive dyskeratosis congenita. Last evaluated: 2025-10-27. Review status: criteria provided, single submitter. Criteria: Invitae Variant Classification Sherloc (09022015). Collection method: clinical testing. Allele origin: germline.
Comment: This sequence change replaces glutamine, which is neutral and polar, with arginine, which is basic and polar, at codon 388 of the DCLRE1B protein (p.Gln388Arg). This variant is present in population databases (rs745340882, gnomAD 0.1%), and has an allele count higher than expected for a pathogenic variant. This variant has not been reported in the literature in individuals affected with DCLRE1B-related conditions. ClinVar contains an entry for this variant (Variation ID: 663606). An algorithm developed to predict the effect of missense changes on protein structure and function outputs the following: PolyPhen-2: "Benign". The arginine amino acid residue is found in multiple mammalian species, which suggests that this missense change does not adversely affect protein function. In summary, the available evidence is currently insufficient to determine the role of this variant in disease. Therefore, it has been classified as a Variant of Uncertain Significance.

Ambry Genetics
Classification: Uncertain significance. Last evaluated: 2025-05-19. Review status: criteria provided, single submitter. Criteria: Ambry Variant Classification Scheme 2023. Collection method: clinical testing. Allele origin: germline.